The following is an entry in ClinVar:

NM_004329.3(BMPR1A):c.1331G>A (p.Cys444Tyr)

Gene: BMPR1A (bone morphogenetic protein receptor type 1A; plus strand). Cytogenetic location: 10q23.2.
Variant type: single nucleotide variant.
Coding change: c.1331G>A on transcript NM_004329.3 (MANE Select); coding-DNA position 1331, G replaced by A.
Protein change: p.Cys444Tyr; replaces cysteine 444 with tyrosine.
Molecular consequence: missense variant.
Genome position (GRCh38, 1-based): chr10:86,921,684, G>A. VCF-style: chr10-86921684-G-A. GRCh37 (hg19) VCF-style: chr10-88681441-G-A.
Other names: c.1331G>A, p.Cys444Tyr (NM_001406571.1, NM_001406572.1, NM_001406573.1 and 19 more transcripts); c.1406G>A, p.Cys469Tyr (NM_001406559.1); c.1379G>A, p.Cys460Tyr (NM_001406560.1); c.1325G>A, p.Cys442Tyr (NM_001406583.1); c.1247G>A, p.Cys416Tyr (NM_001406584.1, NM_001406585.1, NM_001406586.1 and 2 more transcripts); c.989G>A, p.Cys330Tyr (NM_001406589.1); short protein forms C442Y, C416Y, C444Y, C460Y, C330Y, C469Y.
Identifiers: ClinVar variation 2081681 (VCV002081681.6), dbSNP rs1589292734, ClinGen allele CA377462432.

ClinVar aggregate classification (germline): Uncertain significance. Review status: criteria provided, multiple submitters, no conflicts (2 of 4 stars). 2 submissions from 2 submitters: Uncertain significance (2). Last evaluated 2026-08-19.

Conditions:
Juvenile polyposis syndrome (JPS). Identifiers: Orphanet 2929, MedGen C0345893, MONDO:0017380, OMIM 174900.
Hereditary cancer-predisposing syndrome. Also called: Tumor predisposition; Hereditary Cancer Syndrome; Hereditary neoplastic syndrome; Neoplastic Syndromes, Hereditary. Identifiers: Orphanet 140162, MedGen C0027672, MeSH D009386, MONDO:0015356.

Submissions (2):

Ambry Genetics
Classification: Uncertain significance for Hereditary cancer-predisposing syndrome. Last evaluated: 2026-08-19. Review status: criteria provided, single submitter. Criteria: Ambry Variant Classification Scheme 2023. Collection method: clinical testing. Allele origin: germline.
Comment: The p.C444Y variant (also known as c.1331G>A), located in coding exon 9 of the BMPR1A gene, results from a G to A substitution at nucleotide position 1331. The cysteine at codon 444 is replaced by tyrosine, an amino acid with highly dissimilar properties. This amino acid position is highly conserved in available vertebrate species. In addition, this alteration is predicted to be deleterious by in silico analysis. Based on the available evidence, the clinical significance of this variant remains unclear.

Labcorp Genetics (formerly Invitae), Labcorp
Classification: Uncertain significance for Juvenile polyposis syndrome. Last evaluated: 2022-02-15. Review status: criteria provided, single submitter. Criteria: Invitae Variant Classification Sherloc (09022015). Collection method: clinical testing. Allele origin: germline.
Comment: In summary, the available evidence is currently insufficient to determine the role of this variant in disease. Therefore, it has been classified as a Variant of Uncertain Significance. Advanced modeling of protein sequence and biophysical properties (such as structural, functional, and spatial information, amino acid conservation, physicochemical variation, residue mobility, and thermodynamic stability) performed at Invitae indicates that this missense variant is expected to disrupt BMPR1A protein function. This variant has not been reported in the literature in individuals affected with BMPR1A-related conditions. This variant is not present in population databases (gnomAD no frequency). This sequence change replaces cysteine, which is neutral and slightly polar, with tyrosine, which is neutral and polar, at codon 444 of the BMPR1A protein (p.Cys444Tyr).